The following is an entry in ClinVar:

ClinVar aggregate classification (germline): Uncertain significance (1 of 4 stars; one submission).

gnomAD v4.1: 52 of 1,613,830 alleles (0.0032%); highest among the groups gnomAD compares: Middle Eastern, 0.016%; no homozygotes.

Submission:

GeneDx
Classification: Uncertain significance. Last evaluated: 2024-04-22. Review status: criteria provided, single submitter. Criteria: GeneDx Variant Classification Process June 2021. Collection method: clinical testing. Allele origin: germline. Affected: yes.
Comment: In silico analysis indicates that this missense variant does not alter protein structure/function; Has not been previously published as pathogenic or benign to our knowledge

NM_177939.3(P4HTM):c.644G>A (p.Arg215His)

Gene: P4HTM (prolyl 4-hydroxylase, transmembrane; plus strand). Cytogenetic location: 3p21.31.
Variant type: single nucleotide variant.
Coding change: c.644G>A on transcript NM_177939.3 (MANE Select); coding-DNA position 644, G replaced by A.
Protein change: p.Arg215His; replaces arginine 215 with histidine.
Molecular consequence: missense variant.
Genome position (GRCh38, 1-based): chr3:49,002,516, G>A. VCF-style: chr3-49002516-G-A. GRCh37 (hg19) VCF-style: chr3-49039949-G-A.
Other names: c.644G>A, p.Arg215His (NM_177938.2); short protein forms R215H.
Identifiers: ClinVar variation 3372936 (VCV003372936.1).